The following is an entry in ClinVar:

ClinVar aggregate classification (germline): Uncertain significance (1 of 4 stars; one submission).

Allele frequency attached by ClinVar (database versions not stated): TOPMed below 0.00001.

Submission:

Labcorp Genetics (formerly Invitae), Labcorp
Classification: Uncertain significance. Last evaluated: 2022-04-10. Review status: criteria provided, single submitter. Criteria: Invitae Variant Classification Sherloc (09022015). Collection method: clinical testing. Allele origin: germline.
Comment: In summary, the available evidence is currently insufficient to determine the role of this variant in disease. Therefore, it has been classified as a Variant of Uncertain Significance. Algorithms developed to predict the effect of missense changes on protein structure and function output the following: SIFT: "Deleterious"; PolyPhen-2: "Benign"; Align-GVGD: "Class C65". The isoleucine amino acid residue is found in multiple mammalian species, which suggests that this missense change does not adversely affect protein function. This variant has not been reported in the literature in individuals affected with SLC18A3-related conditions. This variant is not present in population databases (gnomAD no frequency). This sequence change replaces threonine, which is neutral and polar, with isoleucine, which is neutral and non-polar, at codon 345 of the SLC18A3 protein (p.Thr345Ile).

NM_003055.3(SLC18A3):c.1034C>T (p.Thr345Ile)

Genes: SLC18A3 (solute carrier family 18 member A3; plus strand), CHAT (choline O-acetyltransferase; plus strand). Cytogenetic location: 10q11.23.
Variant type: single nucleotide variant.
Coding change: c.1034C>T on transcript NM_003055.3 (MANE Select); coding-DNA position 1034, C replaced by T.
Protein change: p.Thr345Ile; replaces threonine 345 with isoleucine.
Molecular consequence: missense variant. On other transcripts: intron variant (1).
Genome position (GRCh38, 1-based): chr10:49,611,774, C>T. VCF-style: chr10-49611774-C-T. GRCh37 (hg19) VCF-style: chr10-50819820-C-T.
Other names: c.-69+2575C>T (NM_020984.4); short protein forms T345I.
Identifiers: ClinVar variation 1963479 (VCV001963479.5), dbSNP rs780991045, ClinGen allele CA376721874.